The following is an entry in ClinVar:

ClinVar aggregate classification (germline): Uncertain significance. Review status: criteria provided, multiple submitters, no conflicts (2 of 4 stars). 4 submissions from 4 submitters: Uncertain significance (4). Last evaluated 2026-08-01.

Conditions:
Treacher Collins syndrome 1 (TCS1). Also called: TCOF1-Related Treacher Collins Syndrome. Identifiers: Orphanet 861, MedGen CN315775, MONDO:0007944, OMIM 154500.
Inborn genetic diseases. Identifiers: MedGen C0950123, MeSH D030342.

Allele frequency attached by ClinVar (database versions not stated): gnomAD 0.00002 and 0.00003; gnomAD exomes 0.00002 and 0.00006; TOPMed 0.00003; ExAC 0.00006; 1000 Genomes Project 0.00020; 1000 Genomes Project 30x 0.00031.
gnomAD v4.1: 16 of 1,614,244 alleles (0.00099%); highest among the groups gnomAD compares: Admixed American, 0.027%; no homozygotes.

Submissions (4):

CeGaT Center for Human Genetics Tuebingen
Classification: Uncertain significance. Last evaluated: 2026-08-01. Review status: criteria provided, single submitter. Criteria: CeGaT Center For Human Genetics Tuebingen Variant Classification Criteria Version 2. Collection method: clinical testing. Allele origin: germline. Affected: yes. Observed: 1 variant allele.

Ambry Genetics
Classification: Uncertain significance for Inborn genetic diseases. Last evaluated: 2025-05-19. Review status: criteria provided, single submitter. Criteria: Ambry Variant Classification Scheme 2023. Collection method: clinical testing. Allele origin: germline.

GeneDx
Classification: Uncertain significance. Last evaluated: 2024-12-04. Review status: criteria provided, single submitter. Criteria: GeneDx Variant Classification Process June 2021. Collection method: clinical testing. Allele origin: germline. Affected: yes.
Comment: In silico analysis supports that this missense variant has a deleterious effect on protein structure/function; Has not been previously published as pathogenic or benign to our knowledge

Labcorp Genetics (formerly Invitae), Labcorp
Classification: Uncertain significance for Treacher Collins syndrome 1. Last evaluated: 2023-12-18. Review status: criteria provided, single submitter. Criteria: Invitae Variant Classification Sherloc (09022015). Collection method: clinical testing. Allele origin: germline.
Comment: This sequence change replaces proline, which is neutral and non-polar, with arginine, which is basic and polar, at codon 658 of the TCOF1 protein (p.Pro658Arg). This variant is present in population databases (rs200287975, gnomAD 0.05%), and has an allele count higher than expected for a pathogenic variant. This variant has not been reported in the literature in individuals affected with TCOF1-related conditions. ClinVar contains an entry for this variant (Variation ID: 1433635). Advanced modeling of protein sequence and biophysical properties (such as structural, functional, and spatial information, amino acid conservation, physicochemical variation, residue mobility, and thermodynamic stability) has been performed at Invitae for this missense variant, however the output from this modeling did not meet the statistical confidence thresholds required to predict the impact of this variant on TCOF1 protein function. In summary, the available evidence is currently insufficient to determine the role of this variant in disease. Therefore, it has been classified as a Variant of Uncertain Significance.

NM_001371623.1(TCOF1):c.1973C>G (p.Pro658Arg)

Gene: TCOF1 (treacle ribosome biogenesis factor 1; plus strand). Cytogenetic location: 5q32.
Variant type: single nucleotide variant.
Coding change: c.1973C>G on transcript NM_001371623.1 (MANE Select); coding-DNA position 1973, C replaced by G.
Protein change: p.Pro658Arg; replaces proline 658 with arginine.
Molecular consequence: missense variant.
Genome position (GRCh38, 1-based): chr5:150,376,161, C>G. VCF-style: chr5-150376161-C-G. GRCh37 (hg19) VCF-style: chr5-149755724-C-G.
Other names: c.1973C>G (NM_001135243.1); c.1742C>G, p.Pro581Arg (NM_000356.4, NM_001135245.2); c.1973C>G, p.Pro658Arg (NM_001008657.3, NM_001135243.2, NM_001135244.2 and 1 more transcripts); short protein forms P581R, P658R.
Identifiers: ClinVar variation 1433635 (VCV001433635.12), dbSNP rs200287975, ClinGen allele CA3511067.